The following is an entry in ClinVar:

ClinVar aggregate classification (germline): Conflicting classifications of pathogenicity. Review status: criteria provided, conflicting classifications (1 of 4 stars). 2 submissions from 2 submitters: Uncertain significance (1); Likely benign (1). Last evaluated 2026-07-01.

Conditions:
PLXNA3-related disorder. Also called: PLXNA3-related condition.

Submissions (2):

CeGaT Center for Human Genetics Tuebingen
Classification: Likely benign. Last evaluated: 2026-07-01. Review status: criteria provided, single submitter. Criteria: CeGaT Center For Human Genetics Tuebingen Variant Classification Criteria Version 2. Collection method: clinical testing. Allele origin: germline. Affected: yes. Observed: 1 variant allele.
Comment: PLXNA3: BS2

PreventionGenetics, part of Exact Sciences
Classification: Uncertain significance for PLXNA3-related condition. Last evaluated: 2026-01-26. Review status: criteria provided, single submitter. Criteria: ACMG Guidelines, 2015. Collection method: clinical testing. Allele origin: germline.
Comment: The PLXNA3 c.793_800del8 variant is predicted to result in a frameshift and premature protein termination (p.Met265Glyfs*46). This variant has been reported in an individual with a developmental disorder, however limited clinical information was provided (Kaplanis et al. 2020. PubMed ID: 33057194). This variant is reported in 0.0052% of alleles in individuals of South Asian descent in gnomAD. Loss of function is not an established mechanism of disease for PLXNA3. At this time, the clinical significance of this variant is uncertain due to the absence of conclusive functional and genetic evidence.

NM_017514.5(PLXNA3):c.793_800del (p.Met265fs)

Gene: PLXNA3 (plexin A3; plus strand). Cytogenetic location: Xq28.
Variant type: Deletion.
Coding change: c.793_800del on transcript NM_017514.5 (MANE Select); coding-DNA positions 793 to 800, 8 bases deleted (ATGTGCGC; older notation c.793_800delATGTGCGC).
Protein change: p.Met265fs; shifts the reading frame from methionine 265.
Molecular consequence: frameshift variant.
Genome position (GRCh38, 1-based): chrX:154,461,297-154,461,304, ATGTGCGC deleted; deleting any 8 consecutive bases within chrX:154,461,291-154,461,304 gives the same sequence; the c. name uses the placement nearest the transcript's 3' end. VCF-style (leftmost placement, unchanged base first): chrX-154461290-CGTGCGCAT-C. GRCh37 (hg19) VCF-style: chrX-153689630-CGTGCGCAT-C.
Other names: c.793_800del8 (NM_017514.4); short protein forms M265fs.
Identifiers: ClinVar variation 4978395 (VCV004978395.2).